The following is an entry in ClinVar:

ClinVar aggregate classification (germline): Conflicting classifications of pathogenicity. Review status: criteria provided, conflicting classifications (1 of 4 stars). 4 submissions from 4 submitters: Uncertain significance (2); Likely benign (2). Last evaluated 2026-02-17.

Conditions:
Cardiovascular phenotype. Identifiers: MedGen CN230736.
Brugada syndrome. Also called: Sudden unexpected nocturnal death syndrome; Sudden unexplained nocturnal death syndrome; Sudden Unexplained Death Syndrome; Sudden Unexplained Nocturnal Death Syndrome (SUNDS). Identifiers: Orphanet 130, MedGen C1142166, MONDO:0015263.
SCN10A-related disorder. Also called: SCN10A-related condition.

Allele frequency attached by ClinVar (database versions not stated): TOPMed 0.00001; gnomAD 0.00004 and 0.00006; gnomAD exomes 0.00007 and 0.00008; ExAC 0.00008.
gnomAD v4.1: 113 of 1,614,036 alleles (0.007%); highest among the groups gnomAD compares: South Asian, 0.025%; no homozygotes.

Submissions (4):

PreventionGenetics, part of Exact Sciences
Classification: Likely benign for SCN10A-related condition. Last evaluated: 2026-02-17. Review status: criteria provided, single submitter. Criteria: ACMG Guidelines, 2015. Collection method: clinical testing. Allele origin: germline.
Comment: This variant is classified as likely benign based on ACMG/AMP sequence variant interpretation guidelines (Richards et al. 2015 PMID: 25741868, with internal and published modifications).

GeneDx
Classification: Uncertain significance. Last evaluated: 2026-01-26. Review status: criteria provided, single submitter. Criteria: GeneDx Variant Classification Process June 2021. Collection method: clinical testing. Allele origin: germline.
Comment: In silico analysis supports that this missense variant has a deleterious effect on protein structure/function; Has not been previously published as pathogenic or benign to our knowledge

Labcorp Genetics (formerly Invitae), Labcorp
Classification: Uncertain significance for Brugada syndrome. Last evaluated: 2025-12-09. Review status: criteria provided, single submitter. Criteria: Invitae Variant Classification Sherloc (09022015). Collection method: clinical testing. Allele origin: germline.
Comment: This sequence change replaces arginine, which is basic and polar, with glutamine, which is neutral and polar, at codon 1579 of the SCN10A protein (p.Arg1579Gln). This variant is present in population databases (rs781118074, gnomAD 0.03%). This variant has not been reported in the literature in individuals affected with SCN10A-related conditions. ClinVar contains an entry for this variant (Variation ID: 845297). Invitae Evidence Modeling of protein sequence and biophysical properties (such as structural, functional, and spatial information, amino acid conservation, physicochemical variation, residue mobility, and thermodynamic stability) indicates that this missense variant is expected to disrupt SCN10A protein function with a positive predictive value of 80%. In summary, the available evidence is currently insufficient to determine the role of this variant in disease. Therefore, it has been classified as a Variant of Uncertain Significance.

Ambry Genetics
Classification: Likely benign for Cardiovascular phenotype. Last evaluated: 2020-09-02. Review status: criteria provided, single submitter. Criteria: Ambry Variant Classification Scheme 2023. Collection method: clinical testing. Allele origin: germline.

NM_006514.4(SCN10A):c.4736G>A (p.Arg1579Gln)

Gene: SCN10A (sodium voltage-gated channel alpha subunit 10; minus strand). Cytogenetic location: 3p22.2.
Variant type: single nucleotide variant.
Coding change: c.4736G>A on transcript NM_006514.4 (MANE Select); coding-DNA position 4736, G replaced by A.
Protein change: p.Arg1579Gln; replaces arginine 1579 with glutamine.
Molecular consequence: missense variant.
Genome position (GRCh38, 1-based): chr3:38,698,484, C>T on the plus strand (G>A on the coding strand, the complement: SCN10A is on the minus strand). VCF-style: chr3-38698484-C-T. GRCh37 (hg19) VCF-style: chr3-38739975-C-T.
Other names: c.4733G>A, p.Arg1578Gln (NM_001293306.2); c.4442G>A, p.Arg1481Gln (NM_001293307.2); short protein forms R1579Q, R1578Q, R1481Q.
Identifiers: ClinVar variation 845297 (VCV000845297.9), dbSNP rs781118074, ClinGen allele CA2319823.